The following is an entry in ClinVar:

ClinVar aggregate classification (germline): Benign (1 of 4 stars; one submission).

Conditions:
Vesicoureteral reflux 2 (VUR2). Identifiers: Orphanet 289365, MedGen C1970483, MONDO:0012573, OMIM 610878.

Allele frequency attached by ClinVar (database versions not stated): 1000 Genomes Project 30x 0.01031; 1000 Genomes Project 0.01058; TOPMed 0.01645; gnomAD 0.02199 and 0.02232.

Submission:

Illumina Laboratory Services, Illumina
Classification: Benign for Vesicoureteral reflux 2. Last evaluated: 2018-01-13. Review status: criteria provided, single submitter. Criteria: ICSL Variant Classification Criteria 13 December 2019. Collection method: clinical testing. Allele origin: germline.
Comment: This variant was observed in the ICSL laboratory as part of a predisposition screen in an ostensibly healthy population. It had not been previously curated by ICSL or reported in the Human Gene Mutation Database (HGMD: prior to June 1st, 2018), and was therefore a candidate for classification through an automated scoring system. Utilizing variant allele frequency, disease prevalence and penetrance estimates, and inheritance mode, an automated score was calculated to assess if this variant is too frequent to cause the disease. Based on the score and internal cut-off values, a variant classified as benign is not then subjected to further curation. The score for this variant resulted in a classification of benign for this disease.

NM_001395656.1(ROBO2):c.*1739A>G

Gene: ROBO2 (roundabout guidance receptor 2; plus strand). Cytogenetic location: 3p12.3.
Variant type: single nucleotide variant.
Coding change: c.*1739A>G on transcript NM_001395656.1 (MANE Select); 1739 bases downstream of the stop codon, A replaced by G.
Molecular consequence: 3 prime UTR variant.
Genome position (GRCh38, 1-based): chr3:77,647,794, A>G. VCF-style: chr3-77647794-A-G. GRCh37 (hg19) VCF-style: chr3-77696945-A-G.
Other names: c.*1739A>G (NM_001128929.3, NM_001290039.2, NM_001290040.2 and 14 more transcripts); c.*1736A>G (NM_001378194.1, NM_001378196.1, NM_001378199.1 and 3 more transcripts).
Identifiers: ClinVar variation 346739 (VCV000346739.6), dbSNP rs114621892, ClinGen allele CA10619645.